The following is an entry in ClinVar:

ClinVar aggregate classification (germline): Pathogenic/Likely pathogenic. Review status: criteria provided, multiple submitters, no conflicts (2 of 4 stars). 2 submissions from 2 submitters: Pathogenic (1); Likely pathogenic (1). Last evaluated 2023-09-05.

Conditions:
Classic or attenuated familial adenomatous polyposis. Identifiers: MedGen CN372698, MONDO:0021057.
Hereditary cancer-predisposing syndrome. Also called: Neoplastic Syndromes, Hereditary; Tumor predisposition; Hereditary Cancer Syndrome; Hereditary neoplastic syndrome. Identifiers: Orphanet 140162, MedGen C0027672, MeSH D009386, MONDO:0015356.

Submissions (2):

Color Diagnostics, LLC DBA Color Health
Classification: Pathogenic for Hereditary cancer-predisposing syndrome. Last evaluated: 2023-09-05. Review status: criteria provided, single submitter. Criteria: ACMG Guidelines, 2015. Collection method: clinical testing. Allele origin: germline.
Comment: This variant deletes one nucleotide in exon 14 of the APC gene, creating a premature translation stop signal. This variant is expected to result in an absent or non-functional protein product To our knowledge, this variant has not been reported in individuals affected with APC-related disorders in the literature. This variant has not been identified in the general population by the Genome Aggregation Database (gnomAD). Loss of APC function is a known mechanism of disease. Based on the available evidence, this variant is classified as Pathogenic.

All of Us Research Program, National Institutes of Health
Classification: Likely pathogenic for Classic or attenuated familial adenomatous polyposis. Last evaluated: 2023-08-04. Review status: criteria provided, single submitter. Criteria: ACMG Guidelines, 2015. Collection method: clinical testing. Allele origin: germline. Inheritance: Autosomal dominant inheritance. Observed: 1 variant allele, 1 heterozygote.
Comment: This variant is predicted to result in loss of protein function through nonsense-mediated or protein truncation. Loss of function is an established mechanism of disease. This prediction has not been confirmed by functional studies. This variant is absent from or rare in large population databases, including the Genome Aggregation Database.

This study involves interpretation of variants in research participants for the purpose of population health screening. Participant phenotype was not available at the time of variant classification. Additional details can be found in publication PMID: 35346344, PMCID: PMC8962531

NM_000038.6(APC):c.4938del (p.Thr1647fs)

Gene: APC (APC regulator of Wnt signaling pathway; plus strand). Cytogenetic location: 5q22.2.
Variant type: Deletion.
Coding change: c.4938del on transcript NM_000038.6 (MANE Select); coding-DNA position 4938, one base deleted (G; older notation c.4938delG).
Protein change: p.Thr1647fs; shifts the reading frame from threonine 1647.
Molecular consequence: frameshift variant. On other transcripts: non-coding transcript variant (2).
Genome position (GRCh38, 1-based): chr5:112,840,532, G deleted; the last of 3 consecutive G bases (chr5:112,840,530-112,840,532); deleting any one gives the same sequence. VCF-style (leftmost placement, unchanged base first): chr5-112840529-AG-A. GRCh37 (hg19) VCF-style: chr5-112176226-AG-A.
Other names: c.4938del, p.Thr1647fs (NM_001127510.3, NM_001354895.2, NM_001407450.1); c.4884del, p.Thr1629fs (NM_001127511.3); c.4992del, p.Thr1665fs (NM_001354896.2, NM_001407447.1, NM_001407448.1 and 1 more transcripts); c.4968del, p.Thr1657fs (NM_001354897.2); c.4863del, p.Thr1622fs (NM_001354898.2); c.4854del, p.Thr1619fs (NM_001354899.2); c.4815del, p.Thr1606fs (NM_001354900.2); c.4761del, p.Thr1588fs (NM_001354901.2, NM_001407453.1); and 11 more; short protein forms T1263fs, T1364fs, T1518fs, T1629fs, T1647fs, T1665fs, T1487fs, T1521fs.
Identifiers: ClinVar variation 2775091 (VCV002775091.3), dbSNP rs2533609446, ClinGen allele CA2697546422.
Genomic context (GRCh38, chr5:112,840,529, plus strand): 5'-ACCCCAAAAGCATGTTAGTTTTACACCGGGGGATGATATGCCACGGGTGTATTGTGTTGA[AG>A]GGACACCTATAAACTTTTCCACAGCTACATCTCTAAGTGATCTAACAATCGAATCCCCTC-3'